The following is an entry in ClinVar:

ClinVar aggregate classification (germline): Likely pathogenic. Review status: criteria provided, single submitter (1 of 4 stars). 2 submissions from 2 submitters: Likely pathogenic (1). 1 of the submissions does not count toward it. Last evaluated 2022-08-03.

Conditions:
Familial juvenile hyperuricemic nephropathy type 1 (ADTKD1). Also called: UMOD-Associated Kidney Disease; Uromodulin-associated kidney disease; Autosomal Dominant Tubulointerstitial Kidney Disease – UMOD; Glomerulocystic kidney disease with hyperuricemia and isosthenuria; Medullary cystic kidney disease 2. Identifiers: Orphanet 209886, Orphanet 34149, Orphanet 88950, MedGen C4551496, MONDO:0008073, OMIM 162000.

Submissions (2):

Laboratorio de Genética Hospitales Universitarios Virgen de las Nieves y Clínico San Cecilio (Granada, Spain), Hospitales Universitarios Virgen de las Nieves y Clínico San Cecilio (Granada, Spain)
Classification: Likely pathogenic for Familial juvenile hyperuricemic nephropathy type 1. Last evaluated: 2022-08-03. Review status: criteria provided, single submitter. Criteria: ACMG Guidelines, 2015. Collection method: clinical testing. Allele origin: germline. Inheritance: Autosomal dominant inheritance. Affected: yes. Observed: 1 variant allele.

OMIM
Classification: Pathogenic for TUBULOINTERSTITIAL KIDNEY DISEASE, AUTOSOMAL DOMINANT 1. Last evaluated: 2005-07-01. Review status: no assertion criteria provided. Collection method: literature only. Allele origin: germline. Not counted in ClinVar's aggregate classification.

Literature cited by the submitters: PubMed 15983957 (cited by OMIM).

NM_003361.4(UMOD):c.947A>C (p.Gln316Pro)

Gene: UMOD (uromodulin; minus strand). Cytogenetic location: 16p12.3.
Variant type: single nucleotide variant.
Coding change: c.947A>C on transcript NM_003361.4 (MANE Select); coding-DNA position 947, A replaced by C.
Protein change: p.Gln316Pro; replaces glutamine 316 with proline.
Molecular consequence: missense variant. On other transcripts: non-coding transcript variant (1).
Genome position (GRCh38, 1-based): chr16:20,348,249, T>G on the plus strand (A>C on the coding strand, the complement: UMOD is on the minus strand). VCF-style: chr16-20348249-T-G. GRCh37 (hg19) VCF-style: chr16-20359571-T-G.
Other names: c.947A>C, p.Gln316Pro (NM_001008389.3, NM_001378232.1, NM_001378233.1 and 3 more transcripts); c.1046A>C, p.Gln349Pro (NM_001278614.2); short protein forms Q316P, Q349P.
Identifiers: ClinVar variation 441279 (VCV000441279.10), dbSNP rs1555487318, ClinGen allele CA394983705.
Genomic context (GRCh38, chr16:20,348,249, plus strand): 5'-TCTCAACAACCCGCTTCCTCCCCACTGGCCTCACCAGTGATGTTGAAGTCCTGTTTGCAC[T>G]GGCAGTGCCATCTGCCATTATTCGATTTGCAGTCCTCGTCTATACTGCACTCCTCACACG-3'
Protein context (NP_003352.2, residues 306-326): CKSNNGRWHC[Gln316Pro]CKQDFNITDI